The following is an entry in ClinVar:

NM_000152.5(GAA):c.2045A>G (p.Gln682Arg)

Gene: GAA (alpha glucosidase; plus strand). Cytogenetic location: 17q25.3.
Variant type: single nucleotide variant.
Coding change: c.2045A>G on transcript NM_000152.5 (MANE Select); coding-DNA position 2045, A replaced by G.
Protein change: p.Gln682Arg; replaces glutamine 682 with arginine.
Molecular consequence: missense variant.
Genome position (GRCh38, 1-based): chr17:80,113,222, A>G. VCF-style: chr17-80113222-A-G. GRCh37 (hg19) VCF-style: chr17-78087021-A-G.
Other names: c.2045A>G, p.Gln682Arg (NM_001079803.3, NM_001079804.3); c.2045A>G (LRG_673t1); short protein forms Q682R.
Identifiers: ClinVar variation 552409 (VCV000552409.14), dbSNP rs1484576607, ClinGen allele CA401370306.

ClinVar aggregate classification (germline): Conflicting classifications of pathogenicity. Review status: criteria provided, conflicting classifications (1 of 4 stars). 6 submissions from 6 submitters: Likely pathogenic (1); Uncertain significance (4). 1 of the submissions does not count toward it. Last evaluated 2026-07-01.

Conditions:
Glycogen storage disease, type II (IOPD). Also called: POMPE DISEASE, INFANTILE-ONSET; GLYCOGEN STORAGE DISEASE II, INFANTILE-ONSET; ACID ALPHA-GLUCOSIDASE DEFICIENCY, INFANTILE-ONSET; GAA DEFICIENCY, INFANTILE-ONSET; ACID MALTASE DEFICIENCY, INFANTILE-ONSET; CARDIOMEGALIA GLYCOGENICA DIFFUSA. Identifiers: Orphanet 365, MedGen C0017921, MONDO:0009290, OMIM 232300.

Allele frequency attached by ClinVar (database versions not stated): gnomAD exomes below 0.00001.
gnomAD v4.1: 1 of 1,599,330 alleles (0.000063%); no homozygotes.

Submissions (6):

Genomenon, Inc
Classification: Uncertain significance for Glycogen storage disease, type II. Last evaluated: 2026-07-01. Review status: criteria provided, single submitter. Criteria: Genomenon Sequence Variant Interpretation Standards - Updated. Collection method: curation. Allele origin: germline. Affected: yes.
Comment: GAA p.Gln682Arg (c.2045A>G) is a missense variant that changes the amino acid at codon 682 from Glutamine to Arginine. This variant has been observed in at least one proband with a GAA-related disorder in the compound heterozygous and/or homozygous state (PMID:25085675). It is absent or not present at a significant frequency in gnomAD. In silico models predict that this variant is possibly or probably damaging. In conclusion, we classify GAA p.Gln682Arg (c.2045A>G) as a variant of uncertain significance.

Revvity Omics, Revvity
Classification: Likely pathogenic. Last evaluated: 2025-05-07. Review status: criteria provided, single submitter. Criteria: ACMG Guidelines, 2015. Collection method: clinical testing. Allele origin: germline.

Genome-Nilou Lab
Classification: Uncertain significance for Glycogen storage disease, type II. Last evaluated: 2021-09-05. Review status: criteria provided, single submitter. Criteria: ACMG Guidelines, 2015. Collection method: clinical testing. Allele origin: germline. Affected: no.

Labcorp Genetics (formerly Invitae), Labcorp
Classification: Uncertain significance for Glycogen storage disease, type II. Last evaluated: 2021-08-30. Review status: criteria provided, single submitter. Criteria: Invitae Variant Classification Sherloc (09022015). Collection method: clinical testing. Allele origin: germline.
Comment: This sequence change replaces glutamine with arginine at codon 682 of the GAA protein (p.Gln682Arg). The glutamine residue is highly conserved and there is a small physicochemical difference between glutamine and arginine. This variant is not present in population databases (ExAC no frequency). This missense change has been observed in individual(s) with Pompe disease (PMID: 25026126). ClinVar contains an entry for this variant (Variation ID: 552409). Algorithms developed to predict the effect of missense changes on protein structure and function are either unavailable or do not agree on the potential impact of this missense change (SIFT: "Tolerated"; PolyPhen-2: "Probably Damaging"; Align-GVGD: "Class C0"). In summary, the available evidence is currently insufficient to determine the role of this variant in disease. Therefore, it has been classified as a Variant of Uncertain Significance.

GeneDx
Classification: Uncertain significance. Last evaluated: 2019-06-10. Review status: criteria provided, single submitter. Criteria: GeneDx Variant Classification Process June 2021. Collection method: clinical testing. Allele origin: germline. Affected: yes.
Comment: Not observed in large population cohorts (Lek et al., 2016); In silico analysis, which includes protein predictors and evolutionary conservation, supports a deleterious effect; This variant is associated with the following publications: (PMID: 25026126)

Counsyl
Classification: Uncertain significance for Glycogen storage disease, type II. Last evaluated: 2017-06-19. Review status: no assertion criteria provided. Collection method: clinical testing. Allele origin: unknown. Not counted in ClinVar's aggregate classification.

Literature cited by the submitters: PubMed 25085675 (cited by Genomenon, Inc); PubMed 25026126 (cited by Labcorp Genetics (formerly Invitae), Labcorp and Counsyl).